The following is an entry in ClinVar:

NM_207361.6(FREM2):c.6129_6142dup (p.Arg2048delinsProGlnTer)

Gene: FREM2 (FRAS1 related extracellular matrix 2; plus strand). Cytogenetic location: 13q13.3.
Variant type: Duplication.
Coding change: c.6129_6142dup on transcript NM_207361.6 (MANE Select); coding-DNA positions 6129 to 6142, 14 bases duplicated (CACAGTGAGGTCTC).
Protein change: p.Arg2048delinsProGlnTer.
Molecular consequence: nonsense.
Genome position (GRCh38, 1-based): chr13:38,846,682-38,846,695, CACAGTGAGGTCTC duplicated. VCF-style (leftmost placement, unchanged base first): chr13-38846681-T-TCACAGTGAGGTCTC. GRCh37 (hg19) VCF-style: chr13-39420818-T-TCACAGTGAGGTCTC.
Identifiers: ClinVar variation 2856133 (VCV002856133.3), dbSNP rs2541485490, ClinGen allele CA2739277594.
Genomic context (GRCh38, chr13:38,846,681, plus strand): 5'-CTGGCTATGTGGAAGTGCAGGTGTGGAGAACGGGCACTGACCTGTCCAAGTCTTCTAGTG[T>TCACAGTGAGGTCTC]CACAGTGAGGTCTCGGAAAACAGATCCTCCCTCTGCAGATGGTGAGCAGTTTCCCACTCG-3'

ClinVar aggregate classification (germline): Pathogenic (1 of 4 stars; one submission).

Submission:

Labcorp Genetics (formerly Invitae), Labcorp
Classification: Pathogenic. Last evaluated: 2023-04-14. Review status: criteria provided, single submitter. Criteria: Invitae Variant Classification Sherloc (09022015). Collection method: clinical testing. Allele origin: germline.
Comment: For these reasons, this variant has been classified as Pathogenic. This variant has not been reported in the literature in individuals affected with FREM2-related conditions. This variant is not present in population databases (gnomAD no frequency). This sequence change creates a premature translational stop signal (p.Arg2048Profs*3) in the FREM2 gene. It is expected to result in an absent or disrupted protein product. Loss-of-function variants in FREM2 are known to be pathogenic (PMID: 18203166, 26552811).

Literature cited by the submitters: PubMed 18203166; PubMed 26552811.